The following is an entry in ClinVar:

NM_182706.5(SCRIB):c.1410A>G (p.Leu470=)

Gene: SCRIB (scribble planar cell polarity protein; minus strand). Cytogenetic location: 8q24.3.
Variant type: single nucleotide variant.
Coding change: c.1410A>G on transcript NM_182706.5 (MANE Select); coding-DNA position 1410, A replaced by G.
Protein change: p.Leu470=; no amino-acid change (leucine 470 retained).
Molecular consequence: synonymous variant.
Genome position (GRCh38, 1-based): chr8:143,810,599, T>C on the plus strand (A>G on the coding strand, the complement: SCRIB is on the minus strand). VCF-style: chr8-143810599-T-C. GRCh37 (hg19) VCF-style: chr8-144892769-T-C.
Other names: c.1410A>G, p.Leu470= (NM_015356.5).
Identifiers: ClinVar variation 3055883 (VCV003055883.2), dbSNP rs369221376, ClinGen allele CA187610763.

ClinVar aggregate classification (germline): Benign (0 of 4 stars; one submission).

Conditions:
SCRIB-related disorder. Also called: SCRIB-related condition.

Allele frequency attached by ClinVar (database versions not stated): ESP Exome Variant Server 0.00008; TOPMed 0.00022; gnomAD 0.00093; gnomAD exomes 0.00143; ExAC 0.00326; 1000 Genomes Project 0.00439; 1000 Genomes Project 30x 0.00500.
gnomAD v4.1: 2,229 of 1,613,436 alleles (0.14%); highest among the groups gnomAD compares: South Asian, 2.3%; 45 homozygotes.

Submission:

PreventionGenetics, part of Exact Sciences
Classification: Benign for SCRIB-related condition. Last evaluated: 2019-06-21. Review status: no assertion criteria provided. Collection method: clinical testing. Allele origin: germline.
Comment: This variant is classified as benign based on ACMG/AMP sequence variant interpretation guidelines (Richards et al. 2015 PMID: 25741868, with internal and published modifications).